The following is an entry in ClinVar:

NM_000306.4(POU1F1):c.212C>T (p.Ala71Val)

Gene: POU1F1 (POU class 1 homeobox 1; minus strand). Cytogenetic location: 3p11.2.
Variant type: single nucleotide variant.
Coding change: c.212C>T on transcript NM_000306.4 (MANE Select); coding-DNA position 212, C replaced by T.
Protein change: p.Ala71Val; replaces alanine 71 with valine.
Molecular consequence: missense variant.
Genome position (GRCh38, 1-based): chr3:87,273,349, G>A on the plus strand (C>T on the coding strand, the complement: POU1F1 is on the minus strand). VCF-style: chr3-87273349-G-A. GRCh37 (hg19) VCF-style: chr3-87322499-G-A.
Other names: c.290C>T, p.Ala97Val (NM_001122757.3); short protein forms A71V, A97V.
Identifiers: ClinVar variation 998046 (VCV000998046.2), dbSNP rs771947200, ClinGen allele CA2501256.
Genomic context (GRCh38, chr3:87,273,349, plus strand): 5'-AGAAAATCCATCTAAGTGTCCCCAAATTCAATAACATGTAAAAGACAACTTTTCTTACCT[G>A]CCATCACTCCATAGGTTGATGGCTGGTTTCCATAATGACAGGAAGGAACAGAATAATGAA-3'
Protein context (NP_000297.1, residues 61-81): GNQPSTYGVM[Ala71Val]GSLTPCLYKF

ClinVar aggregate classification (germline): Uncertain significance. Review status: criteria provided, single submitter (1 of 4 stars). 2 submissions from 2 submitters: Uncertain significance (1). 1 of the submissions does not count toward it. Last evaluated 2025-03-10.

Conditions:
Pituitary hormone deficiency, combined, 1 (CPHD1). Also called: Pituitary hormone deficiency, combined or isolated, 1. Identifiers: MedGen C2751608, MONDO:0024464, OMIM 613038.

Allele frequency attached by ClinVar (database versions not stated): ExAC 0.00001; gnomAD exomes 0.00001; TOPMed 0.00001.
gnomAD v4.1: 21 of 1,611,678 alleles (0.0013%); highest among the groups gnomAD compares: East Asian, 0.0022%; no homozygotes.

Submissions (2):

Women's Health and Genetics/Laboratory Corporation of America, LabCorp
Classification: Uncertain significance. Last evaluated: 2025-03-10. Review status: criteria provided, single submitter. Criteria: LabCorp Variant Classification Summary - May 2015. Collection method: clinical testing. Allele origin: germline.
Comment: Variant summary: POU1F1 c.212C>T (p.Ala71Val) results in a non-conservative amino acid change in the encoded protein sequence. Three of five in-silico tools predict a benign effect of the variant on protein function. Consensus agreement among computation tools predict no significant impact on normal splicing. However, these predictions have yet to be confirmed by functional studies. The variant allele was found at a frequency of 1.2e-05 in 250550 control chromosomes. c.212C>T has been reported in the literature in individuals affected with Combined Pituitary Hormone Deficiency (Fan_2021). These data indicate that the variant may be associated with disease. To our knowledge, no experimental evidence demonstrating an impact on protein function has been reported. The following publication have been ascertained in the context of this evaluation (PMID: 34006472).ClinVar contains an entry for this variant (Variation ID: 998046). Based on the evidence outlined above, the variant was classified as VUS-possibly pathogenic.

Beijing Key Laboratory for Genetic Research of Skeletal Deformity, Peking Union Medical College Hospital
Classification: Likely pathogenic for Pituitary hormone deficiency, combined, 1. Last evaluated: 2019-05-31. Review status: no assertion criteria provided. Collection method: research. Allele origin: inherited. Affected: yes. Not counted in ClinVar's aggregate classification.

Literature cited by the submitters: PubMed 34006472 (cited by Women's Health and Genetics/Laboratory Corporation of America, LabCorp).